The following is an entry in ClinVar:

ClinVar aggregate classification (germline): Uncertain significance (1 of 4 stars; one submission).

Conditions:
POLD1-related polyposis and colorectal cancer syndrome (CRCS10). Also called: Colorectal cancer 10; COLORECTAL CANCER, SUSCEPTIBILITY TO, ON CHROMOSOME 19q; Colorectal cancer, susceptibility to, 10. Identifiers: Orphanet 220460, MedGen C2675481, MONDO:0012953, OMIM 612591.

Allele frequency attached by ClinVar (database versions not stated): gnomAD exomes below 0.00001.
gnomAD v4.1: 1 of 1,612,990 alleles (0.000062%); highest among the groups gnomAD compares: Non-Finnish European, 0.000085%; no homozygotes.

Submission:

Labcorp Genetics (formerly Invitae), Labcorp
Classification: Uncertain significance for POLD1-related polyposis and colorectal cancer syndrome. Last evaluated: 2021-10-01. Review status: criteria provided, single submitter. Criteria: Invitae Variant Classification Sherloc (09022015). Collection method: clinical testing. Allele origin: germline.
Comment: This sequence change replaces proline with leucine at codon 112 of the POLD1 protein (p.Pro112Leu). The proline residue is weakly conserved and there is a moderate physicochemical difference between proline and leucine. In summary, the available evidence is currently insufficient to determine the role of this variant in disease. Therefore, it has been classified as a Variant of Uncertain Significance. Algorithms developed to predict the effect of missense changes on protein structure and function are either unavailable or do not agree on the potential impact of this missense change (SIFT: "Deleterious"; PolyPhen-2: "Benign"; Align-GVGD: "Class C0"). This variant has not been reported in the literature in individuals affected with POLD1-related conditions. This variant is not present in population databases (ExAC no frequency).

NM_002691.4(POLD1):c.335C>T (p.Pro112Leu)

Gene: POLD1 (DNA polymerase delta 1, catalytic subunit; plus strand). Cytogenetic location: 19q13.33.
Variant type: single nucleotide variant.
Coding change: c.335C>T on transcript NM_002691.4 (MANE Select); coding-DNA position 335, C replaced by T.
Protein change: p.Pro112Leu; replaces proline 112 with leucine.
Molecular consequence: missense variant. On other transcripts: non-coding transcript variant (1).
Genome position (GRCh38, 1-based): chr19:50,401,796, C>T. VCF-style: chr19-50401796-C-T. GRCh37 (hg19) VCF-style: chr19-50905053-C-T.
Other names: c.335C>T, p.Pro112Leu (NM_001256849.1, NM_001308632.1); short protein forms P112L.
Identifiers: ClinVar variation 1042014 (VCV001042014.7), dbSNP rs2038643198, ClinGen allele CA406972130.
Genomic context (GRCh38, chr19:50,401,796, plus strand): 5'-CCCTGAGAGGCATGGCCGCTGTCTTACCCTGTGACCCCACAGGCCCAGCGCAGCCTGTGC[C>T]TGGGGGGCCCCCACCATCCCGCGGCTCCGTGCCTGTGCTCCGCGCCTTCGGGGTCACCGA-3'
Protein context (NP_002682.2, residues 102-122): DHYVGPAQPV[Pro112Leu]GGPPPSRGSV